The following is an entry in ClinVar:

ClinVar aggregate classification (germline): Conflicting classifications of pathogenicity. Review status: criteria provided, conflicting classifications (1 of 4 stars). 5 submissions from 5 submitters: Uncertain significance (3); Likely benign (1). 1 of the submissions does not count toward it. Last evaluated 2024-12-25.

Conditions:
Hearing loss, autosomal dominant 37. Also called: DEAFNESS, AUTOSOMAL DOMINANT 37. Identifiers: MedGen C4760307, MONDO:0032802, OMIM 618533.
Meniere disease. Also called: Ménière's disease. Identifiers: MedGen C0025281, MONDO:0007972, OMIM 156000.

Allele frequency attached by ClinVar (database versions not stated): gnomAD exomes below 0.00001; TOPMed 0.00002; gnomAD 0.00001; ExAC 0.00001.
gnomAD v4.1: 6 of 1,611,694 alleles (0.00037%); highest among the groups gnomAD compares: Middle Eastern, 0.016%; no homozygotes.

Submissions (5):

Laboratory of Prof. Karen Avraham, Tel Aviv University
Classification: Uncertain significance for Hearing loss, autosomal dominant 37. Last evaluated: 2024-12-25. Review status: criteria provided, single submitter. Criteria: ACMG Guidelines, 2015. Collection method: research. Allele origin: germline. Affected: yes. Observed: 1 variant allele.

GeneDx
Classification: Uncertain significance. Last evaluated: 2024-12-11. Review status: criteria provided, single submitter. Criteria: GeneDx Variant Classification Process June 2021. Collection method: clinical testing. Allele origin: germline.
Comment: Not observed at significant frequency in large population cohorts (gnomAD); In silico analysis supports that this missense variant has a deleterious effect on protein structure/function; Occurs in the triple helical domain at the Y position in the canonical Gly-X-Y repeat; although this variant may have an effect on normal protein folding and function, missense substitution at the Y position is not a common mechanism of disease; Has not been previously published as pathogenic or benign to our knowledge

Labcorp Genetics (formerly Invitae), Labcorp
Classification: Likely benign. Last evaluated: 2024-10-10. Review status: criteria provided, single submitter. Criteria: Invitae Variant Classification Sherloc (09022015). Collection method: clinical testing. Allele origin: germline.

Blueprint Genetics
Classification: Uncertain significance. Last evaluated: 2020-06-17. Review status: criteria provided, single submitter. Criteria: ACMG Guidelines, 2015. Collection method: clinical testing. Allele origin: germline.

Center for Computational Biology & Bioinformatics, University of California, San Diego
Classification: Uncertain significance for Meniere disease. Last evaluated: 2024-06-03. Review status: no assertion criteria provided. Collection method: research. Allele origin: germline. Affected: yes. Not counted in ClinVar's aggregate classification.

NM_001854.4(COL11A1):c.2231A>G (p.Lys744Arg)

Gene: COL11A1 (collagen type XI alpha 1 chain; minus strand). Cytogenetic location: 1p21.1.
Variant type: single nucleotide variant.
Coding change: c.2231A>G on transcript NM_001854.4 (MANE Select); coding-DNA position 2231, A replaced by G.
Protein change: p.Lys744Arg; replaces lysine 744 with arginine.
Molecular consequence: missense variant. On other transcripts: non-coding transcript variant (1).
Genome position (GRCh38, 1-based): chr1:102,997,090, T>C on the plus strand (A>G on the coding strand, the complement: COL11A1 is on the minus strand). VCF-style: chr1-102997090-T-C. GRCh37 (hg19) VCF-style: chr1-103462646-T-C.
Other names: DFNA37; c.2231A>G (NM_001854.3); c.2114A>G, p.Lys705Arg (NM_001190709.2); c.2267A>G, p.Lys756Arg (NM_080629.3); c.1883A>G, p.Lys628Arg (NM_080630.4); short protein forms K628R, K705R, K744R, K756R.
Identifiers: ClinVar variation 1056960 (VCV001056960.11), dbSNP rs775660447, ClinGen allele CA974538.